The following is an entry in ClinVar:

NM_005732.4(RAD50):c.1124C>A (p.Ala375Glu)

Gene: RAD50 (RAD50 double strand break repair protein; plus strand). Cytogenetic location: 5q31.1.
Variant type: single nucleotide variant.
Coding change: c.1124C>A on transcript NM_005732.4 (MANE Select); coding-DNA position 1124, C replaced by A.
Protein change: p.Ala375Glu; replaces alanine 375 with glutamic acid.
Molecular consequence: missense variant.
Genome position (GRCh38, 1-based): chr5:132,588,759, C>A. VCF-style: chr5-132588759-C-A. GRCh37 (hg19) VCF-style: chr5-131924451-C-A.
Other names: short protein forms A375E.
Identifiers: ClinVar variation 3786285 (VCV003786285.2).
Genomic context (GRCh38, chr5:132,588,759, plus strand): 5'-TGCAAGCAGATCGCCATCAAGAACATATCCGAGCTAGAGATTCATTAATTCAGTCTTTGG[C>A]AACACAGCTAGAATTGGATGGCTTTGAGCGTGGACCATTCAGTGAAAGACAGATTAAAAA-3'
Protein context (NP_005723.2, residues 365-385): RARDSLIQSL[Ala375Glu]TQLELDGFER

ClinVar aggregate classification (germline): Uncertain significance. Review status: criteria provided, multiple submitters, no conflicts (2 of 4 stars). 2 submissions from 2 submitters: Uncertain significance (2). Last evaluated 2025-10-26.

Conditions:
Hereditary cancer-predisposing syndrome. Also called: Neoplastic Syndromes, Hereditary; Hereditary Cancer Syndrome; Tumor predisposition; Hereditary neoplastic syndrome. Identifiers: Orphanet 140162, MedGen C0027672, MeSH D009386, MONDO:0015356.

Submissions (2):

Labcorp Genetics (formerly Invitae), Labcorp
Classification: Uncertain significance for Hereditary cancer-predisposing syndrome. Last evaluated: 2025-10-26. Review status: criteria provided, single submitter. Criteria: Invitae Variant Classification Sherloc (09022015). Collection method: clinical testing. Allele origin: germline.
Comment: This sequence change replaces alanine, which is neutral and non-polar, with glutamic acid, which is acidic and polar, at codon 375 of the RAD50 protein (p.Ala375Glu). This variant is not present in population databases (gnomAD no frequency). This variant has not been reported in the literature in individuals affected with RAD50-related conditions. ClinVar contains an entry for this variant (Variation ID: 3786285). Invitae Evidence Modeling of protein sequence and biophysical properties (such as structural, functional, and spatial information, amino acid conservation, physicochemical variation, residue mobility, and thermodynamic stability) indicates that this missense variant is expected to disrupt RAD50 protein function with a positive predictive value of 80%. In summary, the available evidence is currently insufficient to determine the role of this variant in disease. Therefore, it has been classified as a Variant of Uncertain Significance.

Ambry Genetics
Classification: Uncertain significance for Hereditary cancer-predisposing syndrome. Last evaluated: 2024-12-14. Review status: criteria provided, single submitter. Criteria: Ambry Variant Classification Scheme 2023. Collection method: clinical testing. Allele origin: germline.
Comment: The p.A375E variant (also known as c.1124C>A), located in coding exon 8 of the RAD50 gene, results from a C to A substitution at nucleotide position 1124. The alanine at codon 375 is replaced by glutamic acid, an amino acid with dissimilar properties. This amino acid position is conserved. In addition, this alteration is predicted to be tolerated by in silico analysis. Based on the available evidence, the clinical significance of this variant remains unclear.